The following is an entry in ClinVar:

ClinVar aggregate classification (germline): Uncertain significance (1 of 4 stars; one submission).

Submission:

GeneDx
Classification: Uncertain significance. Last evaluated: 2025-05-09. Review status: criteria provided, single submitter. Criteria: GeneDx Variant Classification Process June 2021. Collection method: clinical testing. Allele origin: germline. Affected: yes.
Comment: Not observed at significant frequency in large population cohorts (gnomAD); In silico analysis supports that this missense variant has a deleterious effect on protein structure/function; Has not been previously published as pathogenic or benign to our knowledge

NM_002804.5(PSMC3):c.190C>T (p.His64Tyr)

Gene: PSMC3 (proteasome 26S subunit, ATPase 3; minus strand). Cytogenetic location: 11p11.2.
Variant type: single nucleotide variant.
Coding change: c.190C>T on transcript NM_002804.5 (MANE Select); coding-DNA position 190, C replaced by T.
Protein change: p.His64Tyr; replaces histidine 64 with tyrosine.
Molecular consequence: missense variant.
Genome position (GRCh38, 1-based): chr11:47,425,216, G>A on the plus strand (C>T on the coding strand, the complement: PSMC3 is on the minus strand). VCF-style: chr11-47425216-G-A. GRCh37 (hg19) VCF-style: chr11-47446767-G-A.
Other names: short protein forms H64Y.
Identifiers: ClinVar variation 4528230 (VCV004528230.1).